The following is an entry in ClinVar:

NM_001286445.3(RIPOR2):c.2840C>T (p.Ala947Val)

Gene: RIPOR2 (RHO family interacting cell polarization regulator 2; minus strand). Cytogenetic location: 6p22.3.
Variant type: single nucleotide variant.
Coding change: c.2840C>T on transcript NM_001286445.3 (MANE Select); coding-DNA position 2840, C replaced by T.
Protein change: p.Ala947Val; replaces alanine 947 with valine.
Molecular consequence: missense variant.
Genome position (GRCh38, 1-based): chr6:24,825,254, G>A on the plus strand (C>T on the coding strand, the complement: RIPOR2 is on the minus strand). VCF-style: chr6-24825254-G-A. GRCh37 (hg19) VCF-style: chr6-24825482-G-A.
Other names: p.Ala968Val; c.2753C>T, p.Ala918Val (NM_001346031.2, NM_001346032.2); c.2903C>T, p.Ala968Val (NM_014722.5); c.2903C>T (NM_014722.4); short protein forms A918V, A947V, A968V.
Identifiers: ClinVar variation 1317826 (VCV001317826.12), dbSNP rs181654531, ClinGen allele CA3659066.

ClinVar aggregate classification (germline): Conflicting classifications of pathogenicity. Review status: criteria provided, conflicting classifications (1 of 4 stars). 5 submissions from 5 submitters: Uncertain significance (2); Likely benign (3). Last evaluated 2025-11-09.

Conditions:
RIPOR2-related disorder. Also called: RIPOR2-related condition.

Allele frequency attached by ClinVar (database versions not stated): gnomAD exomes 0.00006 and 0.00009; ExAC 0.00018; gnomAD 0.00074 and 0.00078; 1000 Genomes Project 0.00080; TOPMed 0.00080; 1000 Genomes Project 30x 0.00094; ESP Exome Variant Server 0.00131.
gnomAD v4.1: 201 of 1,551,060 alleles (0.013%); highest among the groups gnomAD compares: African/African-American, 0.26%; no homozygotes.

Submissions (5):

Labcorp Genetics (formerly Invitae), Labcorp
Classification: Likely benign. Last evaluated: 2025-11-09. Review status: criteria provided, single submitter. Criteria: Invitae Variant Classification Sherloc (09022015). Collection method: clinical testing. Allele origin: germline.

PreventionGenetics, part of Exact Sciences
Classification: Likely benign for RIPOR2-related condition. Last evaluated: 2025-05-21. Review status: criteria provided, single submitter. Criteria: ACMG Guidelines, 2015. Collection method: clinical testing. Allele origin: germline.
Comment: This variant is classified as likely benign based on ACMG/AMP sequence variant interpretation guidelines (Richards et al. 2015 PMID: 25741868, with internal and published modifications).

Mayo Clinic Laboratories, Mayo Clinic
Classification: Uncertain significance. Last evaluated: 2024-10-24. Review status: criteria provided, single submitter. Criteria: ACMG Guidelines, 2015. Collection method: clinical testing. Allele origin: germline. Observed: 1 variant allele.
Comment: BS1_supporting

GeneDx
Classification: Likely benign. Last evaluated: 2020-06-01. Review status: criteria provided, single submitter. Criteria: GeneDx Variant Classification Process June 2021. Collection method: clinical testing. Allele origin: germline. Affected: yes.

Blueprint Genetics
Classification: Uncertain significance. Last evaluated: 2017-12-01. Review status: criteria provided, single submitter. Criteria: ACMG Guidelines, 2015. Collection method: clinical testing. Allele origin: germline.